The following is an entry in ClinVar:

NM_004181.5(UCHL1):c.256A>G (p.Ile86Val)

Gene: UCHL1 (ubiquitin C-terminal hydrolase L1; plus strand). Cytogenetic location: 4p13.
Variant type: single nucleotide variant.
Coding change: c.256A>G on transcript NM_004181.5 (MANE Select); coding-DNA position 256, A replaced by G.
Protein change: p.Ile86Val; replaces isoleucine 86 with valine.
Molecular consequence: missense variant.
Genome position (GRCh38, 1-based): chr4:41,260,728, A>G. VCF-style: chr4-41260728-A-G. GRCh37 (hg19) VCF-style: chr4-41262745-A-G.
Other names: c.256A>G (NM_004181.4); short protein forms I86V.
Identifiers: ClinVar variation 1432871 (VCV001432871.7), dbSNP rs1265524715, ClinGen allele CA356732353.

ClinVar aggregate classification (germline): Uncertain significance. Review status: criteria provided, multiple submitters, no conflicts (2 of 4 stars). 2 submissions from 2 submitters: Uncertain significance (2). Last evaluated 2023-03-09.

Conditions:
Inborn genetic diseases. Identifiers: MedGen C0950123, MeSH D030342.

Allele frequency attached by ClinVar (database versions not stated): gnomAD exomes below 0.00001 and 0.00001; TOPMed below 0.00001.
gnomAD v4.1: 5 of 1,614,222 alleles (0.00031%); highest among the groups gnomAD compares: Admixed American, 0.0033%; no homozygotes.

Submissions (2):

Labcorp Genetics (formerly Invitae), Labcorp
Classification: Uncertain significance. Last evaluated: 2023-03-09. Review status: criteria provided, single submitter. Criteria: Invitae Variant Classification Sherloc (09022015). Collection method: clinical testing. Allele origin: germline.
Comment: This variant has not been reported in the literature in individuals affected with UCHL1-related conditions. This variant is present in population databases (no rsID available, gnomAD 0.003%). This sequence change replaces isoleucine, which is neutral and non-polar, with valine, which is neutral and non-polar, at codon 86 of the UCHL1 protein (p.Ile86Val). ClinVar contains an entry for this variant (Variation ID: 1432871). In summary, the available evidence is currently insufficient to determine the role of this variant in disease. Therefore, it has been classified as a Variant of Uncertain Significance. Algorithms developed to predict the effect of missense changes on protein structure and function output the following: SIFT: "Not Available"; PolyPhen-2: "Benign"; Align-GVGD: "Not Available". The valine amino acid residue is found in multiple mammalian species, which suggests that this missense change does not adversely affect protein function.

Ambry Genetics
Classification: Uncertain significance for Inborn genetic diseases. Last evaluated: 2022-05-31. Review status: criteria provided, single submitter. Criteria: Ambry Variant Classification Scheme 2023. Collection method: clinical testing. Allele origin: germline.